The following is an entry in ClinVar:

ClinVar aggregate classification (germline): Uncertain significance (1 of 4 stars; one submission).

Conditions:
Pitt-Hopkins-like syndrome 2 (PTHSL2). Identifiers: Orphanet 221150, Orphanet 600663, MedGen C3280479, MONDO:0013690, OMIM 614325.

Allele frequency attached by ClinVar (database versions not stated): gnomAD exomes below 0.00001.
gnomAD v4.1: 2 of 1,591,024 alleles (0.00013%); highest among the groups gnomAD compares: Non-Finnish European, 0.00017%; no homozygotes.

Submission:

Labcorp Genetics (formerly Invitae), Labcorp
Classification: Uncertain significance for Pitt-Hopkins-like syndrome 2. Last evaluated: 2022-08-09. Review status: criteria provided, single submitter. Criteria: Invitae Variant Classification Sherloc (09022015). Collection method: clinical testing. Allele origin: germline.
Comment: Algorithms developed to predict the effect of sequence changes on RNA splicing suggest that this variant may create or strengthen a splice site. This variant is not present in population databases (gnomAD no frequency). This variant has not been reported in the literature in individuals affected with NRXN1-related conditions. ClinVar contains an entry for this variant (Variation ID: 1489355). Algorithms developed to predict the effect of missense changes on protein structure and function are either unavailable or do not agree on the potential impact of this missense change (SIFT: "Deleterious"; PolyPhen-2: "Benign"; Align-GVGD: "Class C0"). In summary, the available evidence is currently insufficient to determine the role of this variant in disease. Therefore, it has been classified as a Variant of Uncertain Significance. This sequence change replaces glutamic acid, which is acidic and polar, with glycine, which is neutral and non-polar, at codon 258 of the NRXN1 protein (p.Glu258Gly).

NM_001330078.2(NRXN1):c.772+1033A>G

Gene: NRXN1 (neurexin 1; minus strand). Cytogenetic location: 2p16.3.
Variant type: single nucleotide variant.
Coding change: c.772+1033A>G on transcript NM_001330078.2 (MANE Select); 1033 bases into the intron after coding-DNA position 772, A replaced by G.
Molecular consequence: intron variant. On other transcripts: missense variant (1).
Genome position (GRCh38, 1-based): chr2:51,026,469, T>C on the plus strand (A>G on the coding strand, the complement: NRXN1 is on the minus strand). VCF-style: chr2-51026469-T-C. GRCh37 (hg19) VCF-style: chr2-51253607-T-C.
Other names: c.773A>G, p.Glu258Gly (NM_001135659.3); c.772+1033A>G (NM_001330096.2, NM_001330087.2, NM_001330083.2 and 14 more transcripts); short protein forms E258G.
Identifiers: ClinVar variation 1489355 (VCV001489355.8), dbSNP rs747820384, ClinGen allele CA346823295.